The following is an entry in ClinVar:

NM_022051.3(EGLN1):c.892-3C>T

Gene: EGLN1 (egl-9 family hypoxia inducible factor 1; minus strand). Cytogenetic location: 1q42.2.
Variant type: single nucleotide variant.
Coding change: c.892-3C>T on transcript NM_022051.3 (MANE Select); 3 bases into the intron before coding-DNA position 892, C replaced by T.
Molecular consequence: intron variant.
Genome position (GRCh38, 1-based): chr1:231,374,102, G>A on the plus strand (C>T on the coding strand, the complement: EGLN1 is on the minus strand). VCF-style: chr1-231374102-G-A. GRCh37 (hg19) VCF-style: chr1-231509848-G-A.
Other names: c.892-3C>T (NM_001377261.1, NM_001377260.1).
Identifiers: ClinVar variation 4824051 (VCV004824051.1).

ClinVar aggregate classification (germline): Uncertain significance (1 of 4 stars; one submission).

gnomAD v4.1: 2 of 1,612,248 alleles (0.00012%); highest among the groups gnomAD compares: Non-Finnish European, 0.00017%; no homozygotes.

Submission:

Ambry Genetics
Classification: Uncertain significance. Last evaluated: 2026-02-10. Review status: criteria provided, single submitter. Criteria: Ambry Variant Classification Scheme 2023. Collection method: clinical testing. Allele origin: germline.
Comment: The c.892-3C>T intronic variant results from a C to T substitution 3 nucleotides upstream from coding exon 2 in the EGLN1 gene. This nucleotide position is well conserved in available vertebrate species. In silico splice site analysis predicts that this alteration will not have any significant effect on splicing. The evidence for this gene-disease relationship is limited; therefore, the clinical significance of this variant is unclear.